The following is an entry in ClinVar:

GRCh37/hg19 8q24.3(chr8:145600952-145834119)x3

Genes: ADCK5 (aarF domain containing kinase 5; plus strand), ARHGAP39 (Rho GTPase activating protein 39; minus strand), C8orf82 (chromosome 8 open reading frame 82; minus strand), CPSF1 (cleavage and polyadenylation specific factor 1; minus strand), FOXH1 (forkhead box H1; minus strand) and 12 more. Cytogenetic location: 8q24.3.
Variant type: copy number gain.
Change: copy number 3 (three copies instead of two) of chr8:145,600,952-145,834,119 (233.2 kb, GRCh37 coordinates, 1-based), cytogenetic band 8q24.3.
Identifiers: ClinVar variation 219037 (VCV000219037.5).

ClinVar aggregate classification (germline): Uncertain significance (1 of 4 stars; one submission).

Submission:

Cytogenetics Laboratory, University of Washington
Classification: Uncertain significance. Last evaluated: 2015-09-21. Review status: criteria provided, single submitter. Criteria: UW Cytogenetics and Genomics Laboratory Policy on CNV Interpretation (5/6/2015). Collection method: clinical testing. Allele origin: unknown. Affected: yes. Observed: 1 variant allele.